The following is an entry in ClinVar:

ClinVar aggregate classification (germline): Uncertain significance (1 of 4 stars; one submission).

Allele frequency attached by ClinVar (database versions not stated): ExAC 0.00001; gnomAD 0.00004.
gnomAD v4.1: 24 of 1,614,010 alleles (0.0015%); highest among the groups gnomAD compares: African/African-American, 0.0067%; no homozygotes.

Submission:

Labcorp Genetics (formerly Invitae), Labcorp
Classification: Uncertain significance. Last evaluated: 2023-05-23. Review status: criteria provided, single submitter. Criteria: Invitae Variant Classification Sherloc (09022015). Collection method: clinical testing. Allele origin: germline.
Comment: This sequence change replaces aspartic acid, which is acidic and polar, with asparagine, which is neutral and polar, at codon 220 of the PGAP3 protein (p.Asp220Asn). This variant is present in population databases (rs756360382, gnomAD 0.008%). This variant has not been reported in the literature in individuals affected with PGAP3-related conditions. ClinVar contains an entry for this variant (Variation ID: 2418532). Advanced modeling of protein sequence and biophysical properties (such as structural, functional, and spatial information, amino acid conservation, physicochemical variation, residue mobility, and thermodynamic stability) has been performed at Invitae for this missense variant, however the output from this modeling did not meet the statistical confidence thresholds required to predict the impact of this variant on PGAP3 protein function. In summary, the available evidence is currently insufficient to determine the role of this variant in disease. Therefore, it has been classified as a Variant of Uncertain Significance.

NM_033419.5(PGAP3):c.658G>A (p.Asp220Asn)

Gene: PGAP3 (post-GPI attachment to proteins phospholipase 3; minus strand). Cytogenetic location: 17q12.
Variant type: single nucleotide variant.
Coding change: c.658G>A on transcript NM_033419.5 (MANE Select); coding-DNA position 658, G replaced by A.
Protein change: p.Asp220Asn; replaces aspartic acid 220 with asparagine.
Molecular consequence: missense variant. On other transcripts: intron variant (3).
Genome position (GRCh38, 1-based): chr17:39,673,550, C>T on the plus strand (G>A on the coding strand, the complement: PGAP3 is on the minus strand). VCF-style: chr17-39673550-C-T. GRCh37 (hg19) VCF-style: chr17-37829803-C-T.
Other names: c.505G>A, p.Asp169Asn (NM_001291726.2); c.595G>A, p.Asp199Asn (NM_001291728.2); c.433-684G>A (NM_001291733.2); c.494+443G>A (NM_001291732.2); c.557+443G>A (NM_001291730.2); short protein forms D169N, D199N, D220N.
Identifiers: ClinVar variation 2418532 (VCV002418532.4), dbSNP rs756360382, ClinGen allele CA8533280.
Genomic context (GRCh38, chr17:39,673,550, plus strand): 5'-GGCCCAAGCCCCCCAGGGCCTCACCAATAGCCACGTTGGCCACCAGGTTGTAGCCATAGT[C>T]GAAGCGGATGAGGCTCAGGTAGGAGACGTGCACGGTCAGCATGAGCAGCAGGAGAGCCCG-3'
Protein context (NP_219487.3, residues 210-230): HVSYLSLIRF[Asp220Asn]YGYNLVANVA